The following is an entry in ClinVar:

NM_002427.4(MMP13):c.676C>T (p.His226Tyr)

Gene: MMP13 (matrix metallopeptidase 13; minus strand). Cytogenetic location: 11q22.2.
Variant type: single nucleotide variant.
Coding change: c.676C>T on transcript NM_002427.4 (MANE Select); coding-DNA position 676, C replaced by T.
Protein change: p.His226Tyr; replaces histidine 226 with tyrosine.
Molecular consequence: missense variant.
Genome position (GRCh38, 1-based): chr11:102,952,135, G>A on the plus strand (C>T on the coding strand, the complement: MMP13 is on the minus strand). VCF-style: chr11-102952135-G-A. GRCh37 (hg19) VCF-style: chr11-102822864-G-A.
Other names: short protein forms H226Y.
Identifiers: ClinVar variation 2807096 (VCV002807096.3), dbSNP rs1236995503, ClinGen allele CA382229363.

ClinVar aggregate classification (germline): Uncertain significance (1 of 4 stars; one submission).

Allele frequency attached by ClinVar (database versions not stated): TOPMed below 0.00001.

Submission:

Labcorp Genetics (formerly Invitae), Labcorp
Classification: Uncertain significance. Last evaluated: 2022-12-25. Review status: criteria provided, single submitter. Criteria: Invitae Variant Classification Sherloc (09022015). Collection method: clinical testing. Allele origin: germline.
Comment: In summary, the available evidence is currently insufficient to determine the role of this variant in disease. Therefore, it has been classified as a Variant of Uncertain Significance. Advanced modeling of protein sequence and biophysical properties (such as structural, functional, and spatial information, amino acid conservation, physicochemical variation, residue mobility, and thermodynamic stability) performed at Invitae indicates that this missense variant is expected to disrupt MMP13 protein function. This variant has not been reported in the literature in individuals affected with MMP13-related conditions. This variant is not present in population databases (gnomAD no frequency). This sequence change replaces histidine, which is basic and polar, with tyrosine, which is neutral and polar, at codon 226 of the MMP13 protein (p.His226Tyr).